The following is an entry in ClinVar:

ClinVar aggregate classification (germline): Benign. Review status: criteria provided, multiple submitters, no conflicts (2 of 4 stars). 2 submissions from 2 submitters: Benign (2). Last evaluated 2016-03-28.

Allele frequency attached by ClinVar (database versions not stated): ExAC 0.32480; gnomAD 0.36269; TOPMed 0.39538; 1000 Genomes Project 0.48502; 1000 Genomes Project 30x 0.48829; gnomAD exomes 0.31664; ESP Exome Variant Server 0.32435.
gnomAD v4.1: 408,124 of 1,529,598 alleles (27%); highest among the groups gnomAD compares: African/African-American, 63%; 64,297 homozygotes.

Submissions (2):

Laboratory for Molecular Medicine, Mass General Brigham Personalized Medicine
Classification: Benign. Last evaluated: 2016-03-28. Review status: criteria provided, single submitter. Criteria: LMM Criteria. Collection method: clinical testing. Allele origin: germline.
Comment: Variant identified in a genome or exome case(s) and assessed due to predicted null impact of the variant or pathogenic assertions in the literature or databases. Disclaimer: This variant has not undergone full assessment. The following are preliminary notes: Frequency

Breakthrough Genomics
Classification: Benign. Review status: criteria provided, single submitter. Criteria: ACMG Guidelines, 2015. Collection method: not provided. Allele origin: germline. Inheritance: Unknown mechanism. Affected: yes.

NM_001367479.1(DNAH14):c.6866-10G>T

Gene: DNAH14 (dynein axonemal heavy chain 14; plus strand). Cytogenetic location: 1q42.12.
Variant type: single nucleotide variant.
Coding change: c.6866-10G>T on transcript NM_001367479.1 (MANE Select); 10 bases into the intron before coding-DNA position 6866, G replaced by T.
Molecular consequence: intron variant.
Genome position (GRCh38, 1-based): chr1:225,257,950, G>T. VCF-style: chr1-225257950-G-T. GRCh37 (hg19) VCF-style: chr1-225445652-G-T.
Identifiers: ClinVar variation 402653 (VCV000402653.5), dbSNP rs670255, ClinGen allele CA1416273.